The following is an entry in ClinVar:

ClinVar aggregate classification (germline): Uncertain significance (1 of 4 stars; one submission).

gnomAD v4.1: 10 of 1,614,108 alleles (0.00062%); highest among the groups gnomAD compares: South Asian, 0.0066%; no homozygotes.

Submission:

Labcorp Genetics (formerly Invitae), Labcorp
Classification: Uncertain significance. Last evaluated: 2025-07-20. Review status: criteria provided, single submitter. Criteria: Invitae Variant Classification Sherloc (09022015). Collection method: clinical testing. Allele origin: germline.
Comment: This sequence change replaces serine, which is neutral and polar, with leucine, which is neutral and non-polar, at codon 1523 of the C3 protein (p.Ser1523Leu). This variant is present in population databases (rs765147079, gnomAD 0.01%). This variant has not been reported in the literature in individuals affected with C3-related conditions. Invitae Evidence Modeling of protein sequence and biophysical properties (such as structural, functional, and spatial information, amino acid conservation, physicochemical variation, residue mobility, and thermodynamic stability) indicates that this missense variant is not expected to disrupt C3 protein function with a negative predictive value of 80%. In summary, the available evidence is currently insufficient to determine the role of this variant in disease. Therefore, it has been classified as a Variant of Uncertain Significance.

NM_000064.4(C3):c.4568C>T (p.Ser1523Leu)

Gene: C3 (complement C3; minus strand). Cytogenetic location: 19p13.3.
Variant type: single nucleotide variant.
Coding change: c.4568C>T on transcript NM_000064.4 (MANE Select); coding-DNA position 4568, C replaced by T.
Protein change: p.Ser1523Leu; replaces serine 1523 with leucine.
Molecular consequence: missense variant.
Genome position (GRCh38, 1-based): chr19:6,679,187, G>A on the plus strand (C>T on the coding strand, the complement: C3 is on the minus strand). VCF-style: chr19-6679187-G-A. GRCh37 (hg19) VCF-style: chr19-6679198-G-A.
Other names: short protein forms S1523L.
Identifiers: ClinVar variation 4759945 (VCV004759945.1).